The following is an entry in ClinVar:

ClinVar aggregate classification (germline): Uncertain significance (1 of 4 stars; one submission).

Conditions:
Melnick-Fraser syndrome (BOR). Also called: Branchiootorenal syndrome; Branchiootorenal Syndrome (BORS); Branchio-oto-renal syndrome. Identifiers: Orphanet 107, MedGen C0265234, MONDO:0007029.

Submission:

Labcorp Genetics (formerly Invitae), Labcorp
Classification: Uncertain significance for Melnick-Fraser syndrome. Last evaluated: 2023-11-28. Review status: criteria provided, single submitter. Criteria: Invitae Variant Classification Sherloc (09022015). Collection method: clinical testing. Allele origin: germline.
Comment: This sequence change replaces lysine, which is basic and polar, with asparagine, which is neutral and polar, at codon 302 of the EYA1 protein (p.Lys302Asn). This variant is not present in population databases (gnomAD no frequency). This variant has not been reported in the literature in individuals affected with EYA1-related conditions. Advanced modeling of protein sequence and biophysical properties (such as structural, functional, and spatial information, amino acid conservation, physicochemical variation, residue mobility, and thermodynamic stability) performed at Invitae indicates that this missense variant is not expected to disrupt EYA1 protein function with a negative predictive value of 80%. In summary, the available evidence is currently insufficient to determine the role of this variant in disease. Therefore, it has been classified as a Variant of Uncertain Significance.

NM_000503.6(EYA1):c.906A>T (p.Lys302Asn)

Gene: EYA1 (EYA transcriptional coactivator and phosphatase 1; minus strand). Cytogenetic location: 8q13.3.
Variant type: single nucleotide variant.
Coding change: c.906A>T on transcript NM_000503.6 (MANE Select); coding-DNA position 906, A replaced by T.
Protein change: p.Lys302Asn; replaces lysine 302 with asparagine.
Molecular consequence: missense variant.
Genome position (GRCh38, 1-based): chr8:71,271,818, T>A on the plus strand (A>T on the coding strand, the complement: EYA1 is on the minus strand). VCF-style: chr8-71271818-T-A. GRCh37 (hg19) VCF-style: chr8-72184053-T-A.
Other names: c.906A>T, p.Lys302Asn (NM_001370335.1, NM_172058.4, NM_001370334.1); c.975A>T, p.Lys325Asn (NM_001370336.1); c.807A>T, p.Lys269Asn (NM_001411797.1, NM_172060.4); c.978A>T, p.Lys326Asn (NM_172059.5); c.888A>T, p.Lys296Asn (NM_001288574.2); c.540A>T, p.Lys180Asn (NM_001288575.2); c.993A>T, p.Lys331Asn (NM_001370333.1); short protein forms K296N, K302N, K326N, K325N, K269N, K331N, K180N.
Identifiers: ClinVar variation 2699556 (VCV002699556.3), dbSNP rs2538055096, ClinGen allele CA371468940.